The following is an entry in ClinVar:

NM_014727.3(KMT2B):c.3813C>T (p.Cys1271=)

Gene: KMT2B (lysine methyltransferase 2B; plus strand). Cytogenetic location: 19q13.12.
Variant type: single nucleotide variant.
Coding change: c.3813C>T on transcript NM_014727.3 (MANE Select); coding-DNA position 3813, C replaced by T.
Protein change: p.Cys1271=; no amino-acid change (cysteine 1271 retained).
Molecular consequence: synonymous variant.
Genome position (GRCh38, 1-based): chr19:35,725,746, C>T. VCF-style: chr19-35725746-C-T. GRCh37 (hg19) VCF-style: chr19-36216647-C-T.
Identifiers: ClinVar variation 726929 (VCV000726929.39), dbSNP rs371853461, ClinGen allele CA9384882.

ClinVar aggregate classification (germline): Benign/Likely benign. Review status: criteria provided, multiple submitters, no conflicts (2 of 4 stars). 4 submissions from 4 submitters: Benign (2); Likely benign (1). 1 of the submissions does not count toward it. Last evaluated 2025-12-30.

Conditions:
KMT2B-related disorder. Also called: KMT2B-related condition; KMT2B-related disorders. Identifiers: MedGen CN381338.

Allele frequency attached by ClinVar (database versions not stated): gnomAD 0.00001 and 0.00022; TOPMed 0.00005; ESP Exome Variant Server 0.00008; gnomAD exomes 0.00053 and 0.00127; 1000 Genomes Project 30x 0.00109; 1000 Genomes Project 0.00140; ExAC 0.00229.

Submissions (4):

Labcorp Genetics (formerly Invitae), Labcorp
Classification: Benign. Last evaluated: 2025-12-30. Review status: criteria provided, single submitter. Criteria: Invitae Variant Classification Sherloc (09022015). Collection method: clinical testing. Allele origin: germline.

CeGaT Center for Human Genetics Tuebingen
Classification: Likely benign. Last evaluated: 2023-03-01. Review status: criteria provided, single submitter. Criteria: CeGaT Center For Human Genetics Tuebingen Variant Classification Criteria Version 2. Collection method: clinical testing. Allele origin: germline. Affected: yes. Observed: 2 variant alleles.
Comment: KMT2B: BP4, BP7, BS2

GeneDx
Classification: Benign. Last evaluated: 2021-12-02. Review status: criteria provided, single submitter. Criteria: GeneDx Variant Classification Process June 2021. Collection method: clinical testing. Allele origin: germline. Affected: yes.

PreventionGenetics, part of Exact Sciences
Classification: Benign for KMT2B-related condition. Last evaluated: 2019-04-18. Review status: no assertion criteria provided. Collection method: clinical testing. Allele origin: germline. Not counted in ClinVar's aggregate classification.
Comment: This variant is classified as benign based on ACMG/AMP sequence variant interpretation guidelines (Richards et al. 2015 PMID: 25741868, with internal and published modifications).